The following is an entry in ClinVar:

NM_007118.4(TRIO):c.8728A>G (p.Arg2910Gly)

Gene: TRIO (trio Rho guanine nucleotide exchange factor; plus strand). Cytogenetic location: 5p15.2.
Variant type: single nucleotide variant.
Coding change: c.8728A>G on transcript NM_007118.4 (MANE Select); coding-DNA position 8728, A replaced by G.
Protein change: p.Arg2910Gly; replaces arginine 2910 with glycine.
Molecular consequence: missense variant. On other transcripts: non-coding transcript variant (1).
Genome position (GRCh38, 1-based): chr5:14,507,237, A>G. VCF-style: chr5-14507237-A-G. GRCh37 (hg19) VCF-style: chr5-14507346-A-G.
Other names: short protein forms R2910G.
Identifiers: ClinVar variation 2581887 (VCV002581887.3), dbSNP rs2477726772, ClinGen allele CA359240572.

ClinVar aggregate classification (germline): Uncertain significance. Review status: criteria provided, multiple submitters, no conflicts (2 of 4 stars). 2 submissions from 2 submitters: Uncertain significance (2). Last evaluated 2026-02-13.

Conditions:
Intellectual developmental disorder, autosomal dominant 44, with microcephaly. Also called: TRIO-Related Intellectual Disability; Micrognathia-recurrent infections-behavioral abnormalities-mild intellectual disability syndrome. Identifiers: Orphanet 476126, MedGen C4310740, MONDO:0014892, OMIM 617061.

Submissions (2):

OLLIN Analises Genomicas, OLLIN
Classification: Uncertain significance for Intellectual developmental disorder, autosomal dominant 44, with microcephaly. Last evaluated: 2026-02-13. Review status: criteria provided, single submitter. Criteria: ACMG Guidelines 2015 PMID 25741868. Collection method: clinical testing. Allele origin: germline. Observed: 1 variant allele.
Comment: PM2_P, PP2

GeneDx
Classification: Uncertain significance. Last evaluated: 2024-05-20. Review status: criteria provided, single submitter. Criteria: GeneDx Variant Classification Process June 2021. Collection method: clinical testing. Allele origin: germline. Affected: yes.
Comment: Not observed at significant frequency in large population cohorts (gnomAD); In silico analysis supports that this missense variant has a deleterious effect on protein structure/function; Has not been previously published as pathogenic or benign to our knowledge